The following is an entry in ClinVar:

ClinVar aggregate classification (germline): Uncertain significance (1 of 4 stars; one submission).

Submission:

Labcorp Genetics (formerly Invitae), Labcorp
Classification: Uncertain significance. Last evaluated: 2021-04-13. Review status: criteria provided, single submitter. Criteria: Invitae Variant Classification Sherloc (09022015). Collection method: clinical testing. Allele origin: germline.
Comment: In summary, the available evidence is currently insufficient to determine the role of this variant in disease. Therefore, it has been classified as a Variant of Uncertain Significance. Algorithms developed to predict the effect of missense changes on protein structure and function are either unavailable or do not agree on the potential impact of this missense change (SIFT: "Not Available"; PolyPhen-2: "Benign"; Align-GVGD: "Not Available"). This variant has not been reported in the literature in individuals with WFS1-related conditions. The frequency data for this variant in the population databases is not available, as this variant may be reported as separate entries in the ExAC database. This sequence change replaces valine with threonine at codon 333 of the WFS1 protein (p.Val333Thr). The valine residue is weakly conserved and there is a small physicochemical difference between valine and threonine.

NM_006005.3(WFS1):c.997_998inv (p.Val333Thr)

Gene: WFS1 (wolframin ER transmembrane glycoprotein; plus strand). Cytogenetic location: 4p16.1.
Variant type: Inversion.
Coding change: c.997_998inv on transcript NM_006005.3 (MANE Select).
Protein change: p.Val333Thr; replaces valine 333 with threonine.
Molecular consequence: missense variant.
Genome position: GRCh38 VCF-style: chr4-6300792-GT-AC. GRCh37 (hg19) VCF-style: chr4-6302519-GT-AC.
Other names: c.997_998inv, p.Val333Thr (NM_001145853.1); short protein forms V333T.
Identifiers: ClinVar variation 1359960 (VCV001359960.6), ClinGen allele CA2573138323.
Genomic context (GRCh38, chr4:6,300,792, plus strand): 5'-CACTGGCTGTCCACCATCATCCCCACGCACCACATCAACGCGCTCATCTTCTTCTTCATC[GT>AC]CAGCAACCTCACCATCGACTTCTTCGCCTTCTTCATCCCGCTGGTCATCTTCTACCTGTC-3'
Protein context (NP_005996.2, residues 323-343): HINALIFFFI[Val333Thr]SNLTIDFFAF